The following is an entry in ClinVar:

NM_004787.4(SLIT2):c.2143+6A>T

Gene: SLIT2 (slit guidance ligand 2; plus strand). Cytogenetic location: 4p15.31.
Variant type: single nucleotide variant.
Coding change: c.2143+6A>T on transcript NM_004787.4 (MANE Select); 6 bases into the intron after coding-DNA position 2143, A replaced by T.
Molecular consequence: intron variant.
Genome position (GRCh38, 1-based): chr4:20,541,625, A>T. VCF-style: chr4-20541625-A-T. GRCh37 (hg19) VCF-style: chr4-20543248-A-T.
Other names: c.2131+6A>T (NM_001289135.3); c.2119+6A>T (NM_001289136.3).
Identifiers: ClinVar variation 2715838 (VCV002715838.4), dbSNP rs202200803, ClinGen allele CA2871689.

ClinVar aggregate classification (germline): Uncertain significance (1 of 4 stars; one submission).

Allele frequency attached by ClinVar (database versions not stated): gnomAD 0.00003; TOPMed 0.00003; 1000 Genomes Project 30x 0.00016; 1000 Genomes Project 0.00020; ExAC 0.00028.
gnomAD v4.1: 146 of 1,612,808 alleles (0.0091%); highest among the groups gnomAD compares: East Asian, 0.042%; no homozygotes.

Submissions (2):

Labcorp Genetics (formerly Invitae), Labcorp
Classification: Uncertain significance. Last evaluated: 2023-09-17. Review status: criteria provided, single submitter. Criteria: Invitae Variant Classification Sherloc (09022015). Collection method: clinical testing. Allele origin: germline.
Comment: In summary, the available evidence is currently insufficient to determine the role of this variant in disease. Therefore, it has been classified as a Variant of Uncertain Significance. Variants that disrupt the consensus splice site are a relatively common cause of aberrant splicing (PMID: 17576681, 9536098). Algorithms developed to predict the effect of sequence changes on RNA splicing suggest that this variant is not likely to affect RNA splicing. This variant has not been reported in the literature in individuals affected with SLIT2-related conditions. This variant is present in population databases (rs202200803, gnomAD 0.08%), and has an allele count higher than expected for a pathogenic variant. This sequence change falls in intron 20 of the SLIT2 gene. It does not directly change the encoded amino acid sequence of the SLIT2 protein. It affects a nucleotide within the consensus splice site.

Dr. Peter K. Rogan Lab, Western University
No classification provided (evidence only). Condition: Familial cancer of breast. Review status: no classification provided. Collection method: in vitro. Allele origin: not applicable. Functional consequence: retained intron. Not counted in ClinVar's aggregate classification.

Literature cited by the submitters: PubMed 17576681 (cited by Labcorp Genetics (formerly Invitae), Labcorp); PubMed 9536098 (cited by Labcorp Genetics (formerly Invitae), Labcorp).